The following is an entry in ClinVar:

NM_000548.5(TSC2):c.2220+20del

Gene: TSC2 (TSC complex subunit 2; plus strand). Cytogenetic location: 16p13.3.
Variant type: Deletion.
Coding change: c.2220+20del on transcript NM_000548.5 (MANE Select); 20 bases into the intron after coding-DNA position 2220, one base deleted (G; older notation c.2220+20delG).
Molecular consequence: intron variant.
Genome position (GRCh38, 1-based): chr16:2,072,383, G deleted; the last of 4 consecutive G bases (chr16:2,072,380-2,072,383); deleting any one gives the same sequence. VCF-style (leftmost placement, unchanged base first): chr16-2072379-TG-T. GRCh37 (hg19) VCF-style: chr16-2122380-TG-T.
Other names: c.2220+20del (NM_001114382.3, NM_021055.3, NM_001370405.1 and 3 more transcripts); c.2109+20del (NM_001318827.2); c.1620+20del (NM_001318831.2); c.2073+20del (NM_001318829.2); c.2253+20del (NM_001318832.2); c.2220+20delG (NM_000548.3).
Identifiers: ClinVar variation 516781 (VCV000516781.5), dbSNP rs1555506624, ClinGen allele CA658798490.

ClinVar aggregate classification (germline): Benign/Likely benign. Review status: criteria provided, multiple submitters, no conflicts (2 of 4 stars). 2 submissions from 2 submitters: Benign (1); Likely benign (1). Last evaluated 2025-01-23.

Conditions:
Tuberous sclerosis 2 (TSC2). Identifiers: Orphanet 805, MedGen C1860707, MONDO:0013199, OMIM 613254.

Submissions (2):

Labcorp Genetics (formerly Invitae), Labcorp
Classification: Benign for Tuberous sclerosis 2. Last evaluated: 2025-01-23. Review status: criteria provided, single submitter. Criteria: Invitae Variant Classification Sherloc (09022015). Collection method: clinical testing. Allele origin: germline.

GeneDx
Classification: Likely benign. Last evaluated: 2017-10-09. Review status: criteria provided, single submitter. Criteria: GeneDx Variant Classification (06012015). Collection method: clinical testing. Allele origin: germline. Affected: yes.
Comment: This variant is considered likely benign or benign based on one or more of the following criteria: it is a conservative change, it occurs at a poorly conserved position in the protein, it is predicted to be benign by multiple in silico algorithms, and/or has population frequency not consistent with disease.